The following is an entry in ClinVar:

ClinVar aggregate classification (germline): Uncertain significance. Review status: criteria provided, single submitter (1 of 4 stars). 2 submissions from 2 submitters: Uncertain significance (1). 1 of the submissions does not count toward it. Last evaluated 2023-07-27.

Submissions (2):

GeneDx
Classification: Uncertain significance. Last evaluated: 2023-07-27. Review status: criteria provided, single submitter. Criteria: GeneDx Variant Classification Process June 2021. Collection method: clinical testing. Allele origin: germline. Affected: yes.
Comment: Canonical splice site variant in a gene for which loss-of-function is not an established mechanism of disease; Not observed at significant frequency in large population cohorts (gnomAD); Has not been previously published as pathogenic or benign to our knowledge

Mayo Clinic Laboratories, Mayo Clinic
Classification: Pathogenic. Last evaluated: 2017-06-14. Review status: no assertion criteria provided. Collection method: clinical testing. Allele origin: unknown. Not counted in ClinVar's aggregate classification.

NM_004046.6(ATP5F1A):c.483+2T>C

Gene: ATP5F1A (ATP synthase F1 subunit alpha; minus strand). Cytogenetic location: 18q21.1.
Variant type: single nucleotide variant.
Coding change: c.483+2T>C on transcript NM_004046.6 (MANE Select); the canonical splice donor site of the intron after coding-DNA position 483, T replaced by C.
Molecular consequence: splice donor variant. On other transcripts: intron variant (1).
Genome position (GRCh38, 1-based): chr18:46,089,821, A>G on the plus strand (T>C on the coding strand, the complement: ATP5F1A is on the minus strand). VCF-style: chr18-46089821-A-G. GRCh37 (hg19) VCF-style: chr18-43669787-A-G.
Other names: c.483+2T>C (NM_001001937.2); c.417+68T>C (NM_001257334.2); c.333+2T>C (NM_001001935.3, NM_001257335.2).
Identifiers: ClinVar variation 559363 (VCV000559363.6), dbSNP rs1555695396, ClinGen allele CA402357570.